The following is an entry in ClinVar:

NM_006662.3(SRCAP):c.3421C>T (p.Pro1141Ser)

Gene: SRCAP (Snf2 related CREBBP activator protein; plus strand). Cytogenetic location: 16p11.2.
Variant type: single nucleotide variant.
Coding change: c.3421C>T on transcript NM_006662.3 (MANE Select); coding-DNA position 3421, C replaced by T.
Protein change: p.Pro1141Ser; replaces proline 1141 with serine.
Molecular consequence: missense variant.
Genome position (GRCh38, 1-based): chr16:30,721,356, C>T. VCF-style: chr16-30721356-C-T. GRCh37 (hg19) VCF-style: chr16-30732677-C-T.
Other names: short protein forms P1141S.
Identifiers: ClinVar variation 2868445 (VCV002868445.3), dbSNP rs2506666147, ClinGen allele CA395613949.

ClinVar aggregate classification (germline): Uncertain significance (1 of 4 stars; one submission).

gnomAD v4.1: 15 of 1,614,156 alleles (0.00093%); highest among the groups gnomAD compares: Non-Finnish European, 0.0013%; no homozygotes.

Submission:

Labcorp Genetics (formerly Invitae), Labcorp
Classification: Uncertain significance. Last evaluated: 2023-05-23. Review status: criteria provided, single submitter. Criteria: Invitae Variant Classification Sherloc (09022015). Collection method: clinical testing. Allele origin: germline.
Comment: In summary, the available evidence is currently insufficient to determine the role of this variant in disease. Therefore, it has been classified as a Variant of Uncertain Significance. Advanced modeling of protein sequence and biophysical properties (such as structural, functional, and spatial information, amino acid conservation, physicochemical variation, residue mobility, and thermodynamic stability) performed at Invitae indicates that this missense variant is not expected to disrupt SRCAP protein function. This variant has not been reported in the literature in individuals affected with SRCAP-related conditions. This variant is not present in population databases (gnomAD no frequency). This sequence change replaces proline, which is neutral and non-polar, with serine, which is neutral and polar, at codon 1141 of the SRCAP protein (p.Pro1141Ser).